The following is an entry in ClinVar:

NM_001845.6(COL4A1):c.2474A>G (p.Lys825Arg)

Gene: COL4A1 (collagen type IV alpha 1 chain; minus strand). Cytogenetic location: 13q34.
Variant type: single nucleotide variant.
Coding change: c.2474A>G on transcript NM_001845.6 (MANE Select); coding-DNA position 2474, A replaced by G.
Protein change: p.Lys825Arg; replaces lysine 825 with arginine.
Molecular consequence: missense variant.
Genome position (GRCh38, 1-based): chr13:110,178,216, T>C on the plus strand (A>G on the coding strand, the complement: COL4A1 is on the minus strand). VCF-style: chr13-110178216-T-C. GRCh37 (hg19) VCF-style: chr13-110830563-T-C.
Other names: short protein forms K825R.
Identifiers: ClinVar variation 2107438 (VCV002107438.4), dbSNP rs2501780594, ClinGen allele CA388668022.

ClinVar aggregate classification (germline): Uncertain significance (1 of 4 stars; one submission).

Submission:

Labcorp Genetics (formerly Invitae), Labcorp
Classification: Uncertain significance. Last evaluated: 2022-03-06. Review status: criteria provided, single submitter. Criteria: Invitae Variant Classification Sherloc (09022015). Collection method: clinical testing. Allele origin: germline.
Comment: This sequence change replaces lysine, which is basic and polar, with arginine, which is basic and polar, at codon 825 of the COL4A1 protein (p.Lys825Arg). This variant is not present in population databases (gnomAD no frequency). This variant has not been reported in the literature in individuals affected with COL4A1-related conditions. Advanced modeling of protein sequence and biophysical properties (such as structural, functional, and spatial information, amino acid conservation, physicochemical variation, residue mobility, and thermodynamic stability) performed at Invitae indicates that this missense variant is not expected to disrupt COL4A1 protein function. In summary, the available evidence is currently insufficient to determine the role of this variant in disease. Therefore, it has been classified as a Variant of Uncertain Significance.